The following is an entry in ClinVar:

NM_000391.4(TPP1):c.1027G>A (p.Glu343Lys)

Gene: TPP1 (tripeptidyl peptidase 1; minus strand). Cytogenetic location: 11p15.4.
Variant type: single nucleotide variant.
Coding change: c.1027G>A on transcript NM_000391.4 (MANE Select); coding-DNA position 1027, G replaced by A.
Protein change: p.Glu343Lys; replaces glutamic acid 343 with lysine.
Molecular consequence: missense variant.
Genome position (GRCh38, 1-based): chr11:6,616,363, C>T on the plus strand (G>A on the coding strand, the complement: TPP1 is on the minus strand). VCF-style: chr11-6616363-C-T. GRCh37 (hg19) VCF-style: chr11-6637594-C-T.
Other names: 4346G>A; short protein forms E343K.
Identifiers: ClinVar variation 68734 (VCV000068734.12), dbSNP rs121908197, ClinGen allele CA266177.

ClinVar aggregate classification (germline): Pathogenic/Likely pathogenic. Review status: criteria provided, multiple submitters, no conflicts (2 of 4 stars). 5 submissions from 5 submitters: Pathogenic (2); Likely pathogenic (2). 1 of the submissions does not count toward it. Last evaluated 2026-01-05.

Conditions:
Neuronal ceroid lipofuscinosis. Also called: Neuronal Ceroid Lipofuscinoses. Identifiers: Orphanet 216, Orphanet 79263, MedGen C0027877, MONDO:0016295. Disease mechanism: loss of function.
TPP1-related disorder. Also called: TPP1-related condition.
Neuronal ceroid lipofuscinosis 2. Also called: TPP1-Related Neuronal Ceroid-Lipofuscinosis; JANSKY-BIELSCHOWSKY DISEASE NEURONAL CEROID LIPOFUSCINOSIS, LATE INFANTILE. Identifiers: Orphanet 168491, Orphanet 228349, Orphanet 79264, MedGen C1876161, MONDO:0008769, OMIM 204500.

Allele frequency attached by ClinVar (database versions not stated): TOPMed below 0.00001; ExAC 0.00003; gnomAD exomes 0.00003 and 0.00008; gnomAD 0.00007 and 0.00009.
gnomAD v4.1: 49 of 1,613,744 alleles (0.003%); highest among the groups gnomAD compares: Non-Finnish European, 0.00034%; no homozygotes.

Submissions (5):

Natera, Inc.
Classification: Likely pathogenic for Neuronal ceroid lipofuscinosis 2. Last evaluated: 2026-01-05. Review status: criteria provided, single submitter. Criteria: Natera Variant Classification Schema (03/2026). Collection method: clinical testing. Allele origin: germline.
Comment: The c.1027G>A variant in TPP1 is a missense variant predicted to cause substitution of glutamic acid to lysine at amino acid 343. This variant is rare in the general population with a frequency below the threshold expected for the associated phenotype(s). This variant has been observed in one or more individuals affected with the associated recessive disease, as either homozygous or compound heterozygous with a second variant (PMID: 10330339). Functional studies show that this variant may disrupt protein function (PMID: 20340139). Computational prediction algorithms indicate this variant is likely to affect gene or protein function. Given the available evidence, this variant is classified as Likely Pathogenic.

Women's Health and Genetics/Laboratory Corporation of America, LabCorp
Classification: Likely pathogenic for Neuronal ceroid lipofuscinosis. Last evaluated: 2024-12-12. Review status: criteria provided, single submitter. Criteria: LabCorp Variant Classification Summary - May 2015. Collection method: clinical testing. Allele origin: germline.
Comment: Variant summary: TPP1 c.1027G>A (p.Glu343Lys) results in a conservative amino acid change located in the Sedolisin domain (IPR030400) of the encoded protein sequence. Four of five in-silico tools predict a damaging effect of the variant on protein function. The variant allele was found at a frequency of 7.6e-05 in 251446 control chromosomes. This frequency is not significantly higher than estimated for a pathogenic variant in TPP1 causing Neuronal Ceroid-Lipofuscinosis (Batten Disease) (7.6e-05 vs 0.002), allowing no conclusion about variant significance. c.1027G>A has been reported in the literature in homozygous or compound heterozygous individuals affected with Neuronal Ceroid-Lipofuscinosis (Sleat_1999) or epilepsy (Truty_2019). These data indicate that the variant may be associated with disease. At least one publication reports experimental evidence evaluating an impact on protein function. The most pronounced variant effect results in absent enzyme activity in transfected CHO cells (Walus_2010). The following publications have been ascertained in the context of this evaluation (PMID: 10330339, 31440721, 20340139). ClinVar contains an entry for this variant (Variation ID: 68734). Based on the evidence outlined above, the variant was classified as likely pathogenic.

Blueprint Genetics
Classification: Pathogenic for TPP1-related disorders. Last evaluated: 2024-10-04. Review status: criteria provided, single submitter. Criteria: ACMG Guidelines, 2015. Collection method: clinical testing. Allele origin: germline. Affected: yes. Observed: 5 variant alleles.

Labcorp Genetics (formerly Invitae), Labcorp
Classification: Pathogenic. Last evaluated: 2023-12-10. Review status: criteria provided, single submitter. Criteria: Invitae Variant Classification Sherloc (09022015). Collection method: clinical testing. Allele origin: germline.
Comment: This sequence change replaces glutamic acid, which is acidic and polar, with lysine, which is basic and polar, at codon 343 of the TPP1 protein (p.Glu343Lys). This variant is present in population databases (rs121908197, gnomAD 0.09%). This missense change has been observed in individual(s) with late-infantile neuronal ceroid lipofuscinosis (PMID: 10330339). ClinVar contains an entry for this variant (Variation ID: 68734). Advanced modeling of protein sequence and biophysical properties (such as structural, functional, and spatial information, amino acid conservation, physicochemical variation, residue mobility, and thermodynamic stability) performed at Invitae indicates that this missense variant is expected to disrupt TPP1 protein function with a positive predictive value of 95%. Experimental studies have shown that this missense change affects TPP1 function (PMID: 20340139). This variant disrupts the p.Glu343 amino acid residue in TPP1. Other variant(s) that disrupt this residue have been determined to be pathogenic (PMID: 26224725). This suggests that this residue is clinically significant, and that variants that disrupt this residue are likely to be disease-causing. For these reasons, this variant has been classified as Pathogenic.

UniProtKB/Swiss-Prot
No classification provided. Condition: Ceroid lipofuscinosis, neuronal, 2. Review status: no classification provided. Collection method: not provided. Allele origin: not provided. Not counted in ClinVar's aggregate classification.

Literature cited by the submitters: PubMed 10330339 (cited by 3 submitters); PubMed 20340139 (cited by 3 submitters); PubMed 31440721 (cited by Women's Health and Genetics/Laboratory Corporation of America, LabCorp); PubMed 26224725 (cited by Labcorp Genetics (formerly Invitae), Labcorp).